The following is an entry in ClinVar:

ClinVar aggregate classification (germline): Pathogenic (1 of 4 stars; one submission).

Conditions:
Duchenne muscular dystrophy (DMD). Also called: Duchenne Muscular Dystrophy (DMD); MUSCULAR DYSTROPHY, PSEUDOHYPERTROPHIC PROGRESSIVE, DUCHENNE TYPE. Identifiers: Orphanet 98896, MedGen C0013264, MONDO:0010679, OMIM 310200.

Submission:

Labcorp Genetics (formerly Invitae), Labcorp
Classification: Pathogenic for Duchenne muscular dystrophy. Last evaluated: 2022-07-06. Review status: criteria provided, single submitter. Criteria: Invitae Variant Classification Sherloc (09022015). Collection method: clinical testing. Allele origin: germline.
Comment: For these reasons, this variant has been classified as Pathogenic. A similar copy number variant has been observed in individual(s) with Duchenne muscular dystrophy (PMID: 25937795). This variant is a gross deletion of the genomic region encompassing exon(s) 45-76 of the DMD gene. This deletion is out-of-frame, and is expected to create a premature termination codon and result in an absent or disrupted protein product. Loss-of-function variants in DMD are known to be pathogenic (PMID: 16770791, 25007885).

Literature cited by the submitters: PubMed 25937795; PubMed 16770791; PubMed 25007885.

NC_000023.10:g.(?_31164398)_(31986641_?)del

Gene: DMD (dystrophin; minus strand). Cytogenetic location: Xp21.2-21.1.
Variant type: Deletion.
Identifiers: ClinVar variation 1455825 (VCV001455825.6).